The following is an entry in ClinVar:

ClinVar aggregate classification (germline): Pathogenic/Likely pathogenic. Review status: criteria provided, multiple submitters, no conflicts (2 of 4 stars). 5 submissions from 5 submitters: Pathogenic (1); Likely pathogenic (3). 1 of the submissions does not count toward it. Last evaluated 2025-12-24.

Conditions:
Stickler syndrome type 2 (STL2). Also called: COL11A1-Related Stickler Syndrome; STICKLER SYNDROME, TYPE II; STICKLER SYNDROME, BEADED VITREOUS TYPE; STICKLER SYNDROME, VITREOUS TYPE 2. Identifiers: Orphanet 828, Orphanet 90654, MedGen C1858084, MONDO:0011493, OMIM 604841.
Hearing loss, autosomal dominant 37. Also called: DEAFNESS, AUTOSOMAL DOMINANT 37. Identifiers: MedGen C4760307, MONDO:0032802, OMIM 618533.
Fibrochondrogenesis 1 (FBCG1). Identifiers: Orphanet 2021, MedGen C3278138, MONDO:0009226, OMIM 228520.
Marshall syndrome (MRSHS). Identifiers: Orphanet 560, MedGen C0265235, MONDO:0007949, OMIM 154780.
COL11A1-related disorder. Also called: COL11A1-related disorders; COL11A1-related condition.

Allele frequency attached by ClinVar (database versions not stated): gnomAD 0.00001; ESP Exome Variant Server 0.00008.
gnomAD v4.1: 1 of 1,592,802 alleles (0.000063%); highest among the groups gnomAD compares: Non-Finnish European, 0.000086%; no homozygotes.

Submissions (5):

Labcorp Genetics (formerly Invitae), Labcorp
Classification: Pathogenic. Last evaluated: 2025-12-24. Review status: criteria provided, single submitter. Criteria: Invitae Variant Classification Sherloc (09022015). Collection method: clinical testing. Allele origin: germline.
Comment: This sequence change replaces glycine, which is neutral and non-polar, with glutamic acid, which is acidic and polar, at codon 838 of the COL11A1 protein (p.Gly838Glu). This variant is present in population databases (rs372419698, gnomAD 0.007%). This missense change has been observed in individual(s) with autosomal dominant Stickler syndrome (internal data). It has also been observed to segregate with disease in related individuals. ClinVar contains an entry for this variant (Variation ID: 1216773). Invitae Evidence Modeling of protein sequence and biophysical properties (such as structural, functional, and spatial information, amino acid conservation, physicochemical variation, residue mobility, and thermodynamic stability) indicates that this missense variant is expected to disrupt COL11A1 protein function with a positive predictive value of 80%. For these reasons, this variant has been classified as Pathogenic.

PreventionGenetics, part of Exact Sciences
Classification: Likely pathogenic for COL11A1-related condition. Last evaluated: 2025-12-12. Review status: criteria provided, single submitter. Criteria: ACMG Guidelines, 2015. Collection method: clinical testing. Allele origin: germline.
Comment: The COL11A1 c.2513G>A variant is predicted to result in the amino acid substitution p.Gly838Glu. To our knowledge, this variant has not been reported in the literature. This variant affects a Gly residue of the conserved Gly-Xaa-Yaa triple helical domain (amino acid residues 529-1542), where substitutions of glycine are usually pathogenic (Richards et al. 2010. PubMed ID: 20513134). This variant is reported in 0.0065% of alleles in individuals of European (Non-Finnish) descent in gnomAD. This variant is interpreted as likely pathogenic.

GeneDx
Classification: Likely pathogenic. Last evaluated: 2025-10-01. Review status: criteria provided, single submitter. Criteria: GeneDx Variant Classification Process June 2021. Collection method: clinical testing. Allele origin: germline. Affected: yes.
Comment: Not observed at significant frequency in large population cohorts (gnomAD); In silico analysis supports that this missense variant has a deleterious effect on protein structure/function; Has not been previously published as pathogenic or benign to our knowledge; This variant is associated with the following publications: (PMID: 25240749)

Blueprint Genetics
Classification: Likely pathogenic for COL11A1-related disorders. Last evaluated: 2021-10-26. Review status: criteria provided, single submitter. Criteria: ACMG Guidelines, 2015. Collection method: clinical testing. Allele origin: germline. Affected: yes. Observed: 1 variant allele.

Autoinflammatory diseases unit, CHU de Montpellier
Classification: Likely pathogenic for Stickler syndrome type 2. Last evaluated: 2024-09-25. Review status: no assertion criteria provided. Collection method: clinical testing. Allele origin: unknown. Affected: yes. Not counted in ClinVar's aggregate classification.

NM_001854.4(COL11A1):c.2513G>A (p.Gly838Glu)

Gene: COL11A1 (collagen type XI alpha 1 chain; minus strand). Cytogenetic location: 1p21.1.
Variant type: single nucleotide variant.
Coding change: c.2513G>A on transcript NM_001854.4 (MANE Select); coding-DNA position 2513, G replaced by A.
Protein change: p.Gly838Glu; replaces glycine 838 with glutamic acid.
Molecular consequence: missense variant. On other transcripts: non-coding transcript variant (1).
Genome position (GRCh38, 1-based): chr1:102,984,181, C>T on the plus strand (G>A on the coding strand, the complement: COL11A1 is on the minus strand). VCF-style: chr1-102984181-C-T. GRCh37 (hg19) VCF-style: chr1-103449737-C-T.
Other names: c.2396G>A, p.Gly799Glu (NM_001190709.2); c.2549G>A, p.Gly850Glu (NM_080629.3); c.2165G>A, p.Gly722Glu (NM_080630.4); short protein forms G722E, G799E, G838E, G850E.
Identifiers: ClinVar variation 1216773 (VCV001216773.23), dbSNP rs372419698, ClinGen allele CA27704961.
Genomic context (GRCh38, chr1:102,984,181, plus strand): 5'-ATATCAAGCTGTTTTACCTTTGGACCTTGTCTTCCTGGATATCCTGGTAATCCTGGAACT[C>T]CAAGTTTTCCCTACAGTTAAAATATATAATAATCAAAGTAATATTTTAAGTTGAATTAAG-3'
Protein context (NP_001845.3, residues 828-848): SGQAGEKGKL[Gly838Glu]VPGLPGYPGR